The following is an entry in ClinVar:

ClinVar aggregate classification (germline): Benign/Likely benign. Review status: criteria provided, multiple submitters, no conflicts (2 of 4 stars). 12 submissions from 10 submitters: Benign (7); Likely benign (2). 3 of the submissions do not count toward it. Last evaluated 2026-02-04.

Conditions:
Atypical hemolytic-uremic syndrome. Identifiers: Orphanet 2134, MedGen C2931788, MONDO:0016244.
Complement component 3 deficiency. Identifiers: Orphanet 280133, MedGen C3151071, MONDO:0013417, OMIM 613779.
Atypical hemolytic-uremic syndrome with C3 anomaly. Also called: AHUS, SUSCEPTIBILITY TO, 5. Identifiers: Orphanet 2134, MedGen C2752037, MONDO:0013043, OMIM 612925.
C3-related disorder. Also called: C3-related condition.
Age related macular degeneration 9. Identifiers: MedGen C1969651, MONDO:0012659, OMIM 611378.

Allele frequency attached by ClinVar (database versions not stated): 1000 Genomes Project 0.00539; 1000 Genomes Project 30x 0.00640; TOPMed 0.00891; ExAC 0.01259; ESP Exome Variant Server 0.01292; gnomAD exomes 0.01455 and 0.01101; gnomAD 0.01019 and 0.01041.
gnomAD v4.1: 22,612 of 1,609,592 alleles (1.4%); highest among the groups gnomAD compares: Non-Finnish European, 1.7%; 218 homozygotes.

Submissions (12):

Labcorp Genetics (formerly Invitae), Labcorp
Classification: Benign. Last evaluated: 2026-02-04. Review status: criteria provided, single submitter. Criteria: Invitae Variant Classification Sherloc (09022015). Collection method: clinical testing. Allele origin: germline.

Women's Health and Genetics/Laboratory Corporation of America, LabCorp
Classification: Benign. Last evaluated: 2026-01-22. Review status: criteria provided, single submitter. Criteria: LabCorp Variant Classification Summary - May 2015. Collection method: clinical testing. Allele origin: germline.

Mayo Clinic Laboratories, Mayo Clinic
Classification: Benign. Last evaluated: 2025-03-26. Review status: criteria provided, single submitter. Criteria: ACMG Guidelines, 2015. Collection method: clinical testing. Allele origin: germline. Observed: 54 variant alleles.
Comment: BS1, BS2, BP4, BP7

Blueprint Genetics
Classification: Likely benign. Last evaluated: 2024-11-28. Review status: criteria provided, single submitter. Criteria: ACMG Guidelines, 2015. Collection method: clinical testing. Allele origin: germline.

Genome Diagnostics Laboratory, The Hospital for Sick Children
Classification: Likely benign for Atypical hemolytic-uremic syndrome. Last evaluated: 2022-03-15. Review status: criteria provided, single submitter. Criteria: ACMG Guidelines, 2015. Collection method: clinical testing. Allele origin: germline.

Illumina Laboratory Services, Illumina
Classification: Benign for Age related macular degeneration 9. Last evaluated: 2018-01-12. Review status: criteria provided, single submitter. Criteria: ICSL Variant Classification Criteria 13 December 2019. Collection method: clinical testing. Allele origin: germline.
Comment: This variant was observed in the ICSL laboratory as part of a predisposition screen in an ostensibly healthy population. It had not been previously curated by ICSL or reported in the Human Gene Mutation Database (HGMD: prior to June 1st, 2018), and was therefore a candidate for classification through an automated scoring system. Utilizing variant allele frequency, disease prevalence and penetrance estimates, and inheritance mode, an automated score was calculated to assess if this variant is too frequent to cause the disease. Based on the score and internal cut-off values, a variant classified as benign is not then subjected to further curation. The score for this variant resulted in a classification of benign for this disease.

Illumina Laboratory Services, Illumina
Classification: Benign for Atypical hemolytic-uremic syndrome with C3 anomaly. Last evaluated: 2018-01-12. Review status: criteria provided, single submitter. Criteria: ICSL Variant Classification Criteria 13 December 2019. Collection method: clinical testing. Allele origin: germline.
Comment: the same text as in the submission from Illumina Laboratory Services, Illumina above.

Illumina Laboratory Services, Illumina
Classification: Benign for Complement component 3 deficiency. Last evaluated: 2018-01-12. Review status: criteria provided, single submitter. Criteria: ICSL Variant Classification Criteria 13 December 2019. Collection method: clinical testing. Allele origin: germline.
Comment: the same text as in the submission from Illumina Laboratory Services, Illumina above.

Breakthrough Genomics
Classification: Benign. Review status: criteria provided, single submitter. Criteria: ACMG Guidelines, 2015. Collection method: not provided. Allele origin: germline. Inheritance: Autosomal recessive inheritance. Affected: yes.

PreventionGenetics, part of Exact Sciences
Classification: Benign for C3-related condition. Last evaluated: 2019-07-02. Review status: no assertion criteria provided. Collection method: clinical testing. Allele origin: germline. Not counted in ClinVar's aggregate classification.
Comment: This variant is classified as benign based on ACMG/AMP sequence variant interpretation guidelines (Richards et al. 2015 PMID: 25741868, with internal and published modifications).

Genome Diagnostics Laboratory, University Medical Center Utrecht
Classification: Benign. Review status: no assertion criteria provided. Collection method: clinical testing. Allele origin: germline. Affected: yes. Study: VKGL Data-share Consensus. Not counted in ClinVar's aggregate classification.

Joint Genome Diagnostic Labs from Nijmegen and Maastricht, Radboudumc and MUMC+
Classification: Benign. Review status: no assertion criteria provided. Collection method: clinical testing. Allele origin: germline. Affected: yes. Study: VKGL Data-share Consensus. Not counted in ClinVar's aggregate classification.

NM_000064.4(C3):c.741C>T (p.Asn247=)

Gene: C3 (complement C3; minus strand). Cytogenetic location: 19p13.3.
Variant type: single nucleotide variant.
Coding change: c.741C>T on transcript NM_000064.4 (MANE Select); coding-DNA position 741, C replaced by T.
Protein change: p.Asn247=; no amino-acid change (asparagine 247 retained).
Molecular consequence: synonymous variant.
Genome position (GRCh38, 1-based): chr19:6,714,024, G>A on the plus strand (C>T on the coding strand, the complement: C3 is on the minus strand). VCF-style: chr19-6714024-G-A. GRCh37 (hg19) VCF-style: chr19-6714035-G-A.
Other names: p.Asn247=; c.741C>T (LRG_27t1).
Identifiers: ClinVar variation 330336 (VCV000330336.24), dbSNP rs11569571, ClinGen allele CA9129702.